The following is an entry in ClinVar:

ClinVar aggregate classification (germline): Uncertain significance (1 of 4 stars; one submission).

Submission:

GeneDx
Classification: Uncertain significance. Last evaluated: 2024-07-27. Review status: criteria provided, single submitter. Criteria: GeneDx Variant Classification Process June 2021. Collection method: clinical testing. Allele origin: germline. Affected: yes.
Comment: Not observed at significant frequency in large population cohorts (gnomAD); In silico analysis supports that this missense variant has a deleterious effect on protein structure/function; Has not been previously published as pathogenic or benign to our knowledge

NM_057175.5(NAA15):c.1341A>C (p.Lys447Asn)

Gene: NAA15 (N-alpha-acetyltransferase 15, NatA auxiliary subunit; plus strand). Cytogenetic location: 4q31.1.
Variant type: single nucleotide variant.
Coding change: c.1341A>C on transcript NM_057175.5 (MANE Select); coding-DNA position 1341, A replaced by C.
Protein change: p.Lys447Asn; replaces lysine 447 with asparagine.
Molecular consequence: missense variant.
Genome position (GRCh38, 1-based): chr4:139,359,826, A>C. VCF-style: chr4-139359826-A-C. GRCh37 (hg19) VCF-style: chr4-140280980-A-C.
Other names: c.1341A>C, p.Lys447Asn (NM_001410842.1); short protein forms K447N.
Identifiers: ClinVar variation 3600604 (VCV003600604.1).